The following is an entry in ClinVar:

ClinVar aggregate classification (germline): Uncertain significance (1 of 4 stars; one submission).

Conditions:
Dilated cardiomyopathy 1W (CMD1W). Identifiers: Orphanet 154, MedGen C1969639, MONDO:0012667, OMIM 611407.

gnomAD v4.1: 2 of 1,614,074 alleles (0.00012%); highest among the groups gnomAD compares: Non-Finnish European, 0.00017%; no homozygotes.

Submission:

Labcorp Genetics (formerly Invitae), Labcorp
Classification: Uncertain significance for Dilated cardiomyopathy 1W. Last evaluated: 2024-11-04. Review status: criteria provided, single submitter. Criteria: Invitae Variant Classification Sherloc (09022015). Collection method: clinical testing. Allele origin: germline.
Comment: This sequence change falls in intron 6 of the VCL gene. It does not directly change the encoded amino acid sequence of the VCL protein. It affects a nucleotide within the consensus splice site. This variant is present in population databases (rs759809781, gnomAD 0.0009%). This variant has not been reported in the literature in individuals affected with VCL-related conditions. Variants that disrupt the consensus splice site are a relatively common cause of aberrant splicing (PMID: 17576681, 9536098). Algorithms developed to predict the effect of sequence changes on RNA splicing suggest that this variant is not likely to affect RNA splicing. In summary, the available evidence is currently insufficient to determine the role of this variant in disease. Therefore, it has been classified as a Variant of Uncertain Significance.

Literature cited by the submitters: PubMed 17576681; PubMed 9536098.

NM_014000.3(VCL):c.783+4C>T

Gene: VCL (vinculin; plus strand). Cytogenetic location: 10q22.2.
Variant type: single nucleotide variant.
Coding change: c.783+4C>T on transcript NM_014000.3 (MANE Select); 4 bases into the intron after coding-DNA position 783, C replaced by T.
Molecular consequence: intron variant.
Genome position (GRCh38, 1-based): chr10:74,074,907, C>T. VCF-style: chr10-74074907-C-T. GRCh37 (hg19) VCF-style: chr10-75834665-C-T.
Other names: c.783+4C>T (NM_003373.4).
Identifiers: ClinVar variation 3705907 (VCV003705907.2).